The following is an entry in ClinVar:

NM_001083962.2(TCF4):c.532C>T (p.Pro178Ser)

Gene: TCF4 (transcription factor 4; minus strand). Cytogenetic location: 18q21.2.
Variant type: single nucleotide variant.
Coding change: c.532C>T on transcript NM_001083962.2 (MANE Select); coding-DNA position 532, C replaced by T.
Protein change: p.Pro178Ser; replaces proline 178 with serine.
Molecular consequence: missense variant.
Genome position (GRCh38, 1-based): chr18:55,350,376, G>A on the plus strand (C>T on the coding strand, the complement: TCF4 is on the minus strand). VCF-style: chr18-55350376-G-A. GRCh37 (hg19) VCF-style: chr18-53017607-G-A.
Other names: c.838C>T, p.Pro280Ser (NM_001243226.3); c.460C>T, p.Pro154Ser (NM_001243227.2, NM_001306207.1, NM_001348217.1 and 9 more transcripts); c.532C>T, p.Pro178Ser (NM_001243228.2, NM_001330604.3, NM_003199.3 and 5 more transcripts); c.526C>T, p.Pro176Ser (NM_001243230.2); c.406C>T, p.Pro136Ser (NM_001243231.2, NM_001348211.2); c.319C>T, p.Pro107Ser (NM_001243232.1, NM_001306208.1); c.142C>T, p.Pro48Ser (NM_001243233.2, NM_001330605.3, NM_001348212.2 and 1 more transcripts); c.457C>T, p.Pro153Ser (NM_001348220.1, NM_001369578.1, NM_001369581.1 and 3 more transcripts); and 1 more; short protein forms P176S, P48S, P154S, P107S, P153S, P178S, P280S, P136S.
Identifiers: ClinVar variation 4746363 (VCV004746363.1).

ClinVar aggregate classification (germline): Uncertain significance (1 of 4 stars; one submission).

Conditions:
Pitt-Hopkins syndrome (PTHS). Also called: ENCEPHALOPATHY, SEVERE EPILEPTIC, WITH AUTONOMIC DYSFUNCTION; MENTAL RETARDATION, SYNDROMAL, WITH INTERMITTENT HYPERVENTILATION. Identifiers: Orphanet 2896, MedGen C1970431, MONDO:0012589, OMIM 610954.

Submission:

Labcorp Genetics (formerly Invitae), Labcorp
Classification: Uncertain significance for Pitt-Hopkins syndrome. Last evaluated: 2025-12-08. Review status: criteria provided, single submitter. Criteria: Invitae Variant Classification Sherloc (09022015). Collection method: clinical testing. Allele origin: germline.
Comment: This sequence change replaces proline, which is neutral and non-polar, with serine, which is neutral and polar, at codon 178 of the TCF4 protein (p.Pro178Ser). This variant is not present in population databases (gnomAD no frequency). This variant has not been reported in the literature in individuals affected with TCF4-related conditions. Invitae Evidence Modeling of protein sequence and biophysical properties (such as structural, functional, and spatial information, amino acid conservation, physicochemical variation, residue mobility, and thermodynamic stability) indicates that this missense variant is not expected to disrupt TCF4 protein function with a negative predictive value of 95%. In summary, the available evidence is currently insufficient to determine the role of this variant in disease. Therefore, it has been classified as a Variant of Uncertain Significance.